The following is an entry in ClinVar:

NM_002184.4(IL6ST):c.1457T>C (p.Leu486Ser)

Gene: IL6ST (interleukin 6 cytokine family signal transducer; minus strand). Cytogenetic location: 5q11.2.
Variant type: single nucleotide variant.
Coding change: c.1457T>C on transcript NM_002184.4 (MANE Select); coding-DNA position 1457, T replaced by C.
Protein change: p.Leu486Ser; replaces leucine 486 with serine.
Molecular consequence: missense variant. On other transcripts: 3 prime UTR variant (1), non-coding transcript variant (2), intron variant (1).
Genome position (GRCh38, 1-based): chr5:55,952,345, A>G on the plus strand (T>C on the coding strand, the complement: IL6ST is on the minus strand). VCF-style: chr5-55952345-A-G. GRCh37 (hg19) VCF-style: chr5-55248173-A-G.
Other names: c.1274T>C, p.Leu425Ser (NM_001190981.2); c.1247T>C, p.Leu416Ser (NM_001364276.2); c.590T>C, p.Leu197Ser (NM_001364277.2); c.554T>C, p.Leu185Ser (NM_001364278.2); c.461T>C, p.Leu154Ser (NM_001364279.2); c.*384T>C (NM_175767.3); c.1451-270T>C (NM_001364275.2); short protein forms L185S, L425S, L154S, L197S, L416S, L486S.
Identifiers: ClinVar variation 1484076 (VCV001484076.6), dbSNP rs2111681047, ClinGen allele CA359762748.

ClinVar aggregate classification (germline): Uncertain significance (1 of 4 stars; one submission).

Submission:

Labcorp Genetics (formerly Invitae), Labcorp
Classification: Uncertain significance. Last evaluated: 2021-10-24. Review status: criteria provided, single submitter. Criteria: Invitae Variant Classification Sherloc (09022015). Collection method: clinical testing. Allele origin: germline.
Comment: This sequence change replaces leucine with serine at codon 486 of the IL6ST protein (p.Leu486Ser). The leucine residue is highly conserved and there is a large physicochemical difference between leucine and serine. In summary, the available evidence is currently insufficient to determine the role of this variant in disease. Therefore, it has been classified as a Variant of Uncertain Significance. Algorithms developed to predict the effect of missense changes on protein structure and function (SIFT, PolyPhen-2, Align-GVGD) all suggest that this variant is likely to be disruptive. This variant has not been reported in the literature in individuals affected with IL6ST-related conditions. This variant is not present in population databases (ExAC no frequency).